The following is an entry in ClinVar:

NM_024529.5(CDC73):c.*3507G>T

Gene: CDC73 (cell division cycle 73; plus strand). Cytogenetic location: 1q31.2.
Variant type: single nucleotide variant.
Coding change: c.*3507G>T on transcript NM_024529.5 (MANE Select); 3507 bases downstream of the stop codon, G replaced by T.
Molecular consequence: 3 prime UTR variant.
Genome position (GRCh38, 1-based): chr1:193,254,219, G>T. VCF-style: chr1-193254219-G-T. GRCh37 (hg19) VCF-style: chr1-193223349-G-T.
Other names: NC_000001.10:g.193223349G>T.
Identifiers: ClinVar variation 294463 (VCV000294463.6), dbSNP rs151216299, ClinGen allele CA10609162.

ClinVar aggregate classification (germline): Benign. Review status: criteria provided, single submitter (1 of 4 stars). 3 submissions from 1 submitter: Benign (3). Last evaluated 2018-01-13.

Conditions:
Hyperparathyroidism 1 (HRPT1). Also called: HYPERPARATHYROIDISM, FAMILIAL ISOLATED PRIMARY. Identifiers: Orphanet 99879, MedGen C1840402, MONDO:0007767, OMIM 145000.
Parathyroid carcinoma (PRTC). Also called: Parathyroid gland carcinoma; CDC73-Related Parathyroid Carcinoma. Identifiers: Orphanet 143, MedGen C0687150, MONDO:0012004, OMIM 608266, HP:0006780.
Hyperparathyroidism 2 with jaw tumors. Also called: Hyperparathyroidism 2; HYPERPARATHYROIDISM, FAMILIAL PRIMARY, WITH MULTIPLE OSSIFYING JAW FIBROMAS; HYPERPARATHYROIDISM-JAW TUMOR SYNDROME, HEREDITARY; Hyperparathyroidism-Jaw Tumor Syndrome. Identifiers: Orphanet 99880, MedGen C1704981, MONDO:0007768, OMIM 145001.

Allele frequency attached by ClinVar (database versions not stated): gnomAD 0.01140 and 0.01217; TOPMed 0.01166; 1000 Genomes Project 0.01258; 1000 Genomes Project 30x 0.01312.
gnomAD v4.1: 1,839 of 151,828 alleles (1.2%); highest among the groups gnomAD compares: South Asian, 3.4%; 17 homozygotes.

Submissions (4):

Illumina Laboratory Services, Illumina
Classification: Benign for Hyperparathyroidism 2 with jaw tumors. Last evaluated: 2018-01-13. Review status: criteria provided, single submitter. Criteria: ICSL Variant Classification Criteria 13 December 2019. Collection method: clinical testing. Allele origin: germline.
Comment: This variant was observed in the ICSL laboratory as part of a predisposition screen in an ostensibly healthy population. It had not been previously curated by ICSL or reported in the Human Gene Mutation Database (HGMD: prior to June 1st, 2018), and was therefore a candidate for classification through an automated scoring system. Utilizing variant allele frequency, disease prevalence and penetrance estimates, and inheritance mode, an automated score was calculated to assess if this variant is too frequent to cause the disease. Based on the score and internal cut-off values, a variant classified as benign is not then subjected to further curation. The score for this variant resulted in a classification of benign for this disease.

Illumina Laboratory Services, Illumina
Classification: Benign for Hyperparathyroidism 1. Last evaluated: 2018-01-13. Review status: criteria provided, single submitter. Criteria: ICSL Variant Classification Criteria 13 December 2019. Collection method: clinical testing. Allele origin: germline.
Comment: the same text as in the submission from Illumina Laboratory Services, Illumina above.

Illumina Laboratory Services, Illumina
Classification: Benign for Parathyroid carcinoma. Last evaluated: 2018-01-13. Review status: criteria provided, single submitter. Criteria: ICSL Variant Classification Criteria 13 December 2019. Collection method: clinical testing. Allele origin: germline.
Comment: the same text as in the submission from Illumina Laboratory Services, Illumina above.

Dr. Peter K. Rogan Lab, Western University
No classification provided (evidence only). Condition: Ovarian serous cystadenocarcinoma. Review status: no classification provided. Collection method: in vitro. Allele origin: not applicable. Functional consequence: retained intron. Not counted in ClinVar's aggregate classification.